The following is an entry in ClinVar:

NM_001018005.2(TPM1):c.114+4T>C

Gene: TPM1 (tropomyosin 1; plus strand). Cytogenetic location: 15q22.2.
Variant type: single nucleotide variant.
Coding change: c.114+4T>C on transcript NM_001018005.2 (MANE Select); 4 bases into the intron after coding-DNA position 114, T replaced by C.
Molecular consequence: intron variant.
Genome position (GRCh38, 1-based): chr15:63,042,947, T>C. VCF-style: chr15-63042947-T-C. GRCh37 (hg19) VCF-style: chr15-63335146-T-C.
Other names: c.114+4T>C (NM_001365778.1, NM_001018020.2, NM_001018007.2 and 7 more transcripts).
Identifiers: ClinVar variation 919807 (VCV000919807.10), dbSNP rs745777320, ClinGen allele CA027418.

ClinVar aggregate classification (germline): Uncertain significance. Review status: criteria provided, multiple submitters, no conflicts (2 of 4 stars). 4 submissions from 4 submitters: Uncertain significance (4). Last evaluated 2025-07-09.

Conditions:
Hypertrophic cardiomyopathy. Also called: HYPERTROPHIC MYOCARDIOPATHY. Identifiers: Orphanet 217569, MedGen C0007194, MeSH D002312, MONDO:0005045, HP:0001639.
Cardiomyopathy (CMYO). Also called: Cardiomyopathies. Identifiers: Orphanet 167848, MedGen C0878544, MONDO:0004994, HP:0001638. Inheritance: Various modes of inheritance.

Allele frequency attached by ClinVar (database versions not stated): gnomAD exomes below 0.00001; gnomAD 0.00001; TOPMed 0.00001; ExAC 0.00002.
gnomAD v4.1: 2 of 1,590,976 alleles (0.00013%); highest among the groups gnomAD compares: Non-Finnish European, 0.000086%; no homozygotes.

Submissions (4):

Labcorp Genetics (formerly Invitae), Labcorp
Classification: Uncertain significance for Hypertrophic cardiomyopathy. Last evaluated: 2025-07-09. Review status: criteria provided, single submitter. Criteria: Invitae Variant Classification Sherloc (09022015). Collection method: clinical testing. Allele origin: germline.
Comment: This sequence change falls in intron 1 of the TPM1 gene. It does not directly change the encoded amino acid sequence of the TPM1 protein. It affects a nucleotide within the consensus splice site. This variant is not present in population databases (gnomAD no frequency). This variant has not been reported in the literature in individuals affected with TPM1-related conditions. ClinVar contains an entry for this variant (Variation ID: 919807). Variants that disrupt the consensus splice site are a relatively common cause of aberrant splicing (PMID: 17576681, 9536098). Algorithms developed to predict the effect of sequence changes on RNA splicing suggest that this variant is not likely to affect RNA splicing. In summary, the available evidence is currently insufficient to determine the role of this variant in disease. Therefore, it has been classified as a Variant of Uncertain Significance.

All of Us Research Program, National Institutes of Health
Classification: Uncertain significance for Hypertrophic cardiomyopathy. Last evaluated: 2024-08-13. Review status: criteria provided, single submitter. Criteria: ACMG Guidelines, 2015. Collection method: clinical testing. Allele origin: germline. Inheritance: Autosomal dominant inheritance. Observed: 5 variant alleles, 5 heterozygotes.
Comment: This variant causes a T to C nucleotide substitution at the +4 position of intron 1 of the TPM1 gene. To our knowledge, functional studies have not been reported for this variant. This variant has not been reported in individuals affected with TPM1-related disorders in the literature. This variant has not been identified in the general population by the Genome Aggregation Database (gnomAD). The available evidence is insufficient to determine the role of this variant in disease conclusively. Therefore, this variant is classified as a Variant of Uncertain Significance.

This study involves interpretation of variants in research participants for the purpose of population health screening. Participant phenotype was not available at the time of variant classification. Additional details can be found in publication PMID: 35346344, PMCID: PMC8962531

Color Diagnostics, LLC DBA Color Health
Classification: Uncertain significance for Cardiomyopathy. Last evaluated: 2024-07-31. Review status: criteria provided, single submitter. Criteria: ACMG Guidelines, 2015. Collection method: clinical testing. Allele origin: germline.
Comment: This variant causes a T to C nucleotide substitution at the +4 position of intron 1 of the TPM1 gene. To our knowledge, functional studies have not been reported for this variant. This variant has not been reported in individuals affected with TPM1-related disorders in the literature. This variant has not been identified in the general population by the Genome Aggregation Database (gnomAD). The available evidence is insufficient to determine the role of this variant in disease conclusively. Therefore, this variant is classified as a Variant of Uncertain Significance.

CHEO Genetics Diagnostic Laboratory, Children's Hospital of Eastern Ontario
Classification: Uncertain significance for Cardiomyopathy. Last evaluated: 2022-05-06. Review status: criteria provided, single submitter. Criteria: ACMG Guidelines, 2015. Collection method: clinical testing. Allele origin: germline.

Literature cited by the submitters: PubMed 17576681 (cited by Labcorp Genetics (formerly Invitae), Labcorp); PubMed 9536098 (cited by Labcorp Genetics (formerly Invitae), Labcorp).